The following is an entry in ClinVar:

NM_001903.5(CTNNA1):c.879C>T (p.Pro293=)

Gene: CTNNA1 (catenin alpha 1; plus strand). Cytogenetic location: 5q31.2.
Variant type: single nucleotide variant.
Coding change: c.879C>T on transcript NM_001903.5 (MANE Select); coding-DNA position 879, C replaced by T.
Protein change: p.Pro293=; no amino-acid change (proline 293 retained).
Molecular consequence: synonymous variant.
Genome position (GRCh38, 1-based): chr5:138,827,535, C>T. VCF-style: chr5-138827535-C-T. GRCh37 (hg19) VCF-style: chr5-138163224-C-T.
Other names: c.879C>T, p.Pro293= (NM_001290307.3, NM_001323982.2, NM_001323983.1 and 3 more transcripts); c.570C>T, p.Pro190= (NM_001290309.3); c.510C>T, p.Pro170= (NM_001290310.3).
Identifiers: ClinVar variation 3221924 (VCV003221924.5), dbSNP rs780276146, ClinGen allele CA3431587.

ClinVar aggregate classification (germline): Benign/Likely benign. Review status: criteria provided, multiple submitters, no conflicts (2 of 4 stars). 4 submissions from 4 submitters: Benign (1); Likely benign (3). Last evaluated 2024-10-10.

Conditions:
Hereditary cancer-predisposing syndrome. Also called: Tumor predisposition; Hereditary Cancer Syndrome; Hereditary neoplastic syndrome; Neoplastic Syndromes, Hereditary. Identifiers: Orphanet 140162, MedGen C0027672, MeSH D009386, MONDO:0015356.
Hereditary diffuse gastric adenocarcinoma (HDGC). Also called: DIFFUSE GASTRIC AND LOBULAR BREAST CANCER SYNDROME. Identifiers: Orphanet 26106, MedGen C1708349, MONDO:0007648, OMIM 137215.

Allele frequency attached by ClinVar (database versions not stated): gnomAD exomes below 0.00001; ExAC 0.00001.
gnomAD v4.1: 1 of 1,614,208 alleles (0.000062%); highest among the groups gnomAD compares: Non-Finnish European, 0.000085%; no homozygotes.

Submissions (4):

Myriad Genetics, Inc.
Classification: Benign for Hereditary diffuse gastric adenocarcinoma. Last evaluated: 2024-10-10. Review status: criteria provided, single submitter. Criteria: Myriad Autosomal Dominant, Autosomal Recessive and X-Linked Classification Criteria (2023). Collection method: clinical testing. Allele origin: unknown.
Comment: This variant is considered benign. This variant is a silent/synonymous amino acid change and it is not expected to impact splicing.

Blueprint Genetics
Classification: Likely benign. Last evaluated: 2024-10-09. Review status: criteria provided, single submitter. Criteria: ACMG Guidelines, 2015. Collection method: clinical testing. Allele origin: germline.

Labcorp Genetics (formerly Invitae), Labcorp
Classification: Likely benign. Last evaluated: 2024-08-30. Review status: criteria provided, single submitter. Criteria: Invitae Variant Classification Sherloc (09022015). Collection method: clinical testing. Allele origin: germline.

Ambry Genetics
Classification: Likely benign for Hereditary cancer-predisposing syndrome. Last evaluated: 2023-12-26. Review status: criteria provided, single submitter. Criteria: Ambry Variant Classification Scheme 2023. Collection method: clinical testing. Allele origin: germline.